The following is an entry in ClinVar:

NM_024422.6(DSC2):c.1846A>T (p.Thr616Ser)

Gene: DSC2 (desmocollin 2; minus strand). Cytogenetic location: 18q12.1.
Variant type: single nucleotide variant.
Coding change: c.1846A>T on transcript NM_024422.6 (MANE Select); coding-DNA position 1846, A replaced by T.
Protein change: p.Thr616Ser; replaces threonine 616 with serine.
Molecular consequence: missense variant.
Genome position (GRCh38, 1-based): chr18:31,074,725, T>A on the plus strand (A>T on the coding strand, the complement: DSC2 is on the minus strand). VCF-style: chr18-31074725-T-A. GRCh37 (hg19) VCF-style: chr18-28654691-T-A.
Other names: c.1846A>T, p.Thr616Ser (NM_004949.5); short protein forms T616S.
Identifiers: ClinVar variation 536273 (VCV000536273.8), dbSNP rs753887142, ClinGen allele CA402113855.

ClinVar aggregate classification (germline): Uncertain significance (1 of 4 stars; one submission).

Conditions:
Arrhythmogenic right ventricular dysplasia 11. Also called: Arrhythmogenic right ventricular dysplasia 11 with mild palmoplantar keratoderma and woolly hair; Arrhythmogenic Right Ventricular Dysplasia/Cardiomyopathy11; ARRHYTHMOGENIC RIGHT VENTRICULAR DYSPLASIA, FAMILIAL, 11. Identifiers: MedGen C1864850, MONDO:0012506, OMIM 610476.

Submission:

Labcorp Genetics (formerly Invitae), Labcorp
Classification: Uncertain significance for Arrhythmogenic right ventricular dysplasia 11. Last evaluated: 2022-06-27. Review status: criteria provided, single submitter. Criteria: Invitae Variant Classification Sherloc (09022015). Collection method: clinical testing. Allele origin: germline.
Comment: This sequence change replaces threonine, which is neutral and polar, with serine, which is neutral and polar, at codon 616 of the DSC2 protein (p.Thr616Ser). This variant is not present in population databases (gnomAD no frequency). This variant has not been reported in the literature in individuals affected with DSC2-related conditions. ClinVar contains an entry for this variant (Variation ID: 536273). Algorithms developed to predict the effect of missense changes on protein structure and function output the following: SIFT: "Tolerated"; PolyPhen-2: "Benign"; Align-GVGD: "Class C0". The serine amino acid residue is found in multiple mammalian species, which suggests that this missense change does not adversely affect protein function. In summary, the available evidence is currently insufficient to determine the role of this variant in disease. Therefore, it has been classified as a Variant of Uncertain Significance.